The following is an entry in ClinVar:

NM_006182.4(DDR2):c.1432C>T (p.Arg478Cys)

Gene: DDR2 (discoidin domain receptor tyrosine kinase 2; plus strand). Cytogenetic location: 1q23.3.
Variant type: single nucleotide variant.
Coding change: c.1432C>T on transcript NM_006182.4 (MANE Select); coding-DNA position 1432, C replaced by T.
Protein change: p.Arg478Cys; replaces arginine 478 with cysteine.
Molecular consequence: missense variant.
Genome position (GRCh38, 1-based): chr1:162,770,440, C>T. VCF-style: chr1-162770440-C-T. GRCh37 (hg19) VCF-style: chr1-162740230-C-T.
Other names: c.1432C>T, p.Arg478Cys (NM_001014796.3, NM_001354982.2, NM_001354983.2); short protein forms R478C.
Identifiers: ClinVar variation 1433811 (VCV001433811.5), dbSNP rs34869543, ClinGen allele CA1217517.

ClinVar aggregate classification (germline): Uncertain significance (1 of 4 stars; one submission).

Allele frequency attached by ClinVar (database versions not stated): ExAC 0.00013; gnomAD exomes 0.00014 and 0.00017; TOPMed 0.00014; ESP Exome Variant Server 0.00015; gnomAD 0.00019.
gnomAD v4.1: 231 of 1,614,116 alleles (0.014%); highest among the groups gnomAD compares: Non-Finnish European, 0.017%; no homozygotes.

Submission:

Labcorp Genetics (formerly Invitae), Labcorp
Classification: Uncertain significance. Last evaluated: 2024-03-27. Review status: criteria provided, single submitter. Criteria: Invitae Variant Classification Sherloc (09022015). Collection method: clinical testing. Allele origin: germline.
Comment: This sequence change replaces arginine, which is basic and polar, with cysteine, which is neutral and slightly polar, at codon 478 of the DDR2 protein (p.Arg478Cys). This variant is present in population databases (rs34869543, gnomAD 0.02%). This variant has not been reported in the literature in individuals affected with DDR2-related conditions. ClinVar contains an entry for this variant (Variation ID: 1433811). An algorithm developed to predict the effect of missense changes on protein structure and function (PolyPhen-2) suggests that this variant¬†is likely to be tolerated. In summary, the available evidence is currently insufficient to determine the role of this variant in disease. Therefore, it has been classified as a Variant of Uncertain Significance.